The following is an entry in ClinVar:

NM_001211.6(BUB1B):c.3028T>C (p.Ser1010Pro)

Genes: BUB1B (BUB1 mitotic checkpoint serine/threonine kinase B; plus strand), BUB1B-PAK6 (BUB1B-PAK6 readthrough; plus strand). Cytogenetic location: 15q15.1.
Variant type: single nucleotide variant.
Coding change: c.3028T>C on transcript NM_001211.6 (MANE Select); coding-DNA position 3028, T replaced by C.
Protein change: p.Ser1010Pro; replaces serine 1010 with proline.
Molecular consequence: missense variant. On other transcripts: intron variant (2).
Genome position (GRCh38, 1-based): chr15:40,220,634, T>C. VCF-style: chr15-40220634-T-C. GRCh37 (hg19) VCF-style: chr15-40512835-T-C.
Other names: c.-201+2967T>C (NM_001128628.3); c.-118+2967T>C (NM_001128629.3); short protein forms S1010P.
Identifiers: ClinVar variation 1436709 (VCV001436709.10), dbSNP rs374968269, ClinGen allele CA7476186.

ClinVar aggregate classification (germline): Uncertain significance. Review status: criteria provided, multiple submitters, no conflicts (2 of 4 stars). 2 submissions from 2 submitters: Uncertain significance (2). Last evaluated 2024-06-25.

Conditions:
Inborn genetic diseases. Identifiers: MedGen C0950123, MeSH D030342.
Mosaic variegated aneuploidy syndrome 1 (MVA1). Also called: Warburton-Anyane-Yeboa syndrome. Identifiers: Orphanet 1052, MedGen C1850343, MONDO:0009759, OMIM 257300.

Allele frequency attached by ClinVar (database versions not stated): gnomAD exomes below 0.00001 and 0.00001; ExAC 0.00002; gnomAD 0.00005 and 0.00006; ESP Exome Variant Server 0.00008; TOPMed 0.00011.
gnomAD v4.1: 16 of 1,614,114 alleles (0.00099%); highest among the groups gnomAD compares: African/African-American, 0.015%; no homozygotes.

Submissions (2):

Labcorp Genetics (formerly Invitae), Labcorp
Classification: Uncertain significance for Mosaic variegated aneuploidy syndrome 1. Last evaluated: 2024-06-25. Review status: criteria provided, single submitter. Criteria: Invitae Variant Classification Sherloc (09022015). Collection method: clinical testing. Allele origin: germline.
Comment: This sequence change replaces serine, which is neutral and polar, with proline, which is neutral and non-polar, at codon 1010 of the BUB1B protein (p.Ser1010Pro). This variant is present in population databases (rs374968269, gnomAD 0.02%). This variant has not been reported in the literature in individuals affected with BUB1B-related conditions. ClinVar contains an entry for this variant (Variation ID: 1436709). An algorithm developed to predict the effect of missense changes on protein structure and function (PolyPhen-2) suggests that this variant is likely to be tolerated. In summary, the available evidence is currently insufficient to determine the role of this variant in disease. Therefore, it has been classified as a Variant of Uncertain Significance.

Ambry Genetics
Classification: Uncertain significance for Inborn genetic diseases. Last evaluated: 2023-10-30. Review status: criteria provided, single submitter. Criteria: Ambry Variant Classification Scheme 2023. Collection method: clinical testing. Allele origin: germline.